The following is an entry in ClinVar:

ClinVar aggregate classification (germline): Uncertain significance (1 of 4 stars; one submission).

gnomAD v4.1: 2 of 1,211,660 alleles (0.00017%); highest among the groups gnomAD compares: Middle Eastern, 0.023%; no homozygotes.

Submission:

Dasa
Classification: Uncertain significance. Last evaluated: 2024-11-27. Review status: criteria provided, single submitter. Criteria: DASA Assertion Criteria. Collection method: clinical testing. Allele origin: germline.
Comment: NM_006579.3(EBP):c.436C>T (p.Leu146Phe) is a missense variant that results in the substitution of leucine with phenylalanine. This variant is rare in population databases. Computational prediction algorithms are consistent with a benign effect. The currently available literature and clinical evidence are not sufficient to establish a definitive association between this variant and the reported condition. Therefore, this variant is classified as a variant of uncertain significance.

NM_006579.3(EBP):c.436C>T (p.Leu146Phe)

Gene: EBP (EBP cholestenol delta-isomerase; plus strand). Cytogenetic location: Xp11.23.
Variant type: single nucleotide variant.
Coding change: c.436C>T on transcript NM_006579.3 (MANE Select); coding-DNA position 436, C replaced by T.
Protein change: p.Leu146Phe; replaces leucine 146 with phenylalanine.
Molecular consequence: missense variant.
Genome position (GRCh38, 1-based): chrX:48,527,252, C>T. VCF-style: chrX-48527252-C-T. GRCh37 (hg19) VCF-style: chrX-48385640-C-T.
Other names: short protein forms L146F.
Identifiers: ClinVar variation 4882268 (VCV004882268.2).